The following is an entry in ClinVar:

ClinVar aggregate classification (germline): Uncertain significance (1 of 4 stars; one submission).

Conditions:
Inborn genetic diseases. Identifiers: MedGen C0950123, MeSH D030342.

Submission:

Ambry Genetics
Classification: Uncertain significance for Inborn genetic diseases. Last evaluated: 2026-06-28. Review status: criteria provided, single submitter. Criteria: Ambry Variant Classification Scheme 2023. Collection method: clinical testing. Allele origin: germline.
Comment: The p.C1634Y variant (also known as c.4901G>A), located in coding exon 20 of the FANCM gene, results from a G to A substitution at nucleotide position 4901. The cysteine at codon 1634 is replaced by tyrosine, an amino acid with highly dissimilar properties. This amino acid position is conserved. In addition, this alteration is predicted to be tolerated by in silico analysis. Based on the available evidence, the clinical significance of this variant remains unclear.

NM_020937.4(FANCM):c.4901G>A (p.Cys1634Tyr)

Gene: FANCM (FA complementation group M; plus strand). Cytogenetic location: 14q21.2.
Variant type: single nucleotide variant.
Coding change: c.4901G>A on transcript NM_020937.4 (MANE Select); coding-DNA position 4901, G replaced by A.
Protein change: p.Cys1634Tyr; replaces cysteine 1634 with tyrosine.
Molecular consequence: missense variant.
Genome position (GRCh38, 1-based): chr14:45,188,923, G>A. VCF-style: chr14-45188923-G-A. GRCh37 (hg19) VCF-style: chr14-45658126-G-A.
Other names: c.4823G>A, p.Cys1608Tyr (NM_001308133.2); short protein forms C1634Y, C1608Y.
Identifiers: ClinVar variation 5036587 (VCV005036587.1).